The following is an entry in ClinVar:

NC_000001.10:g.(103496801_103540173)_(103574079_?)dup

Gene: COL11A1 (collagen type XI alpha 1 chain; minus strand). Cytogenetic location: 1p21.1.
Variant type: Duplication.
Identifiers: ClinVar variation 3902666 (VCV003902666.1).

ClinVar aggregate classification (germline): Uncertain significance (1 of 4 stars; one submission).

Submission:

Women's Health and Genetics/Laboratory Corporation of America, LabCorp
Classification: Uncertain significance. Last evaluated: 2025-05-27. Review status: criteria provided, single submitter. Criteria: LabCorp Variant Classification Summary - May 2015. Collection method: clinical testing. Allele origin: germline.
Comment: Variant summary: The variant involves the duplication of exons 1-4 in the COL11A1 gene. A presumed nomenclature of c.(?_-345)_(651+1_652-1)dup has been designated for the purposes of this classification. The exact breakpoint at the 5' end of this variant is unknown, therefore this duplication may extend upstream of the annotated region of this gene. It is predicted to duplicate a segment including the initiation codon, therefore its impact on the encoded protein is unknown. The variant was absent in 21694 control chromosomes. The available data on variant occurrences in the general population are insufficient to allow any conclusion about variant significance. To our knowledge, no occurrence of c.(?_-345)_(651+1_652-1)dup in individuals affected with Stickler Syndrome and no experimental evidence demonstrating its impact on protein function have been reported. No submitters have cited clinical-significance assessments for this variant to ClinVar. Based on the evidence outlined above, the variant was classified as uncertain significance.